The following is an entry in ClinVar:

NM_032217.5(ANKRD17):c.1275G>A (p.Ala425=)

Gene: ANKRD17 (ankyrin repeat domain 17; minus strand). Cytogenetic location: 4q13.3.
Variant type: single nucleotide variant.
Coding change: c.1275G>A on transcript NM_032217.5 (MANE Select); coding-DNA position 1275, G replaced by A.
Protein change: p.Ala425=; no amino-acid change (alanine 425 retained).
Molecular consequence: synonymous variant.
Genome position (GRCh38, 1-based): chr4:73,151,484, C>T on the plus strand (G>A on the coding strand, the complement: ANKRD17 is on the minus strand). VCF-style: chr4-73151484-C-T. GRCh37 (hg19) VCF-style: chr4-74017201-C-T.
Other names: c.936G>A, p.Ala312= (NM_001286771.3); c.1275G>A, p.Ala425= (NM_015574.2, NM_198889.3).
Identifiers: ClinVar variation 2654821 (VCV002654821.24), dbSNP rs35591466, ClinGen allele CA2958975.

ClinVar aggregate classification (germline): Benign (1 of 4 stars; one submission).

Allele frequency attached by ClinVar (database versions not stated): gnomAD 0.00908; ESP Exome Variant Server 0.01076; gnomAD exomes 0.01105; ExAC 0.01131; 1000 Genomes Project 0.00399; 1000 Genomes Project 30x 0.00437; TOPMed 0.00829.
gnomAD v4.1: 17,428 of 1,609,614 alleles (1.1%); highest among the groups gnomAD compares: Non-Finnish European, 1.2%; 117 homozygotes.

Submission:

CeGaT Center for Human Genetics Tuebingen
Classification: Benign. Last evaluated: 2026-07-01. Review status: criteria provided, single submitter. Criteria: CeGaT Center For Human Genetics Tuebingen Variant Classification Criteria Version 2. Collection method: clinical testing. Allele origin: germline. Affected: yes. Observed: 15 variant alleles.
Comment: ANKRD17: BP4, BP7, BS1, BS2